The following is an entry in ClinVar:

NM_002887.4(RARS1):c.1690A>T (p.Ile564Phe)

Gene: RARS1 (arginyl-tRNA synthetase 1; plus strand). Cytogenetic location: 5q34.
Variant type: single nucleotide variant.
Coding change: c.1690A>T on transcript NM_002887.4 (MANE Select); coding-DNA position 1690, A replaced by T.
Protein change: p.Ile564Phe; replaces isoleucine 564 with phenylalanine.
Molecular consequence: missense variant.
Genome position (GRCh38, 1-based): chr5:168,517,879, A>T. VCF-style: chr5-168517879-A-T. GRCh37 (hg19) VCF-style: chr5-167944884-A-T.
Other names: short protein forms I564F.
Identifiers: ClinVar variation 2086725 (VCV002086725.4), dbSNP rs1257739625, ClinGen allele CA362086237.

ClinVar aggregate classification (germline): Uncertain significance (1 of 4 stars; one submission).

Allele frequency attached by ClinVar (database versions not stated): TOPMed below 0.00001; gnomAD 0.00001.
gnomAD v4.1: 2 of 1,613,706 alleles (0.00012%); highest among the groups gnomAD compares: Non-Finnish European, 0.00017%; no homozygotes.

Submission:

Labcorp Genetics (formerly Invitae), Labcorp
Classification: Uncertain significance. Last evaluated: 2022-01-17. Review status: criteria provided, single submitter. Criteria: Invitae Variant Classification Sherloc (09022015). Collection method: clinical testing. Allele origin: germline.
Comment: This variant has not been reported in the literature in individuals affected with RARS-related conditions. This variant is not present in population databases (gnomAD no frequency). This sequence change replaces isoleucine, which is neutral and non-polar, with phenylalanine, which is neutral and non-polar, at codon 564 of the RARS protein (p.Ile564Phe). Algorithms developed to predict the effect of missense changes on protein structure and function are either unavailable or do not agree on the potential impact of this missense change (SIFT: "Deleterious"; PolyPhen-2: "Possibly Damaging"; Align-GVGD: "Class C0"). In summary, the available evidence is currently insufficient to determine the role of this variant in disease. Therefore, it has been classified as a Variant of Uncertain Significance.